The following is an entry in ClinVar:

NM_001164508.2(NEB):c.10872+4A>G

Gene: NEB (nebulin; minus strand). Cytogenetic location: 2q23.3.
Variant type: single nucleotide variant.
Coding change: c.10872+4A>G on transcript NM_001164508.2 (MANE Select); 4 bases into the intron after coding-DNA position 10872, A replaced by G.
Molecular consequence: intron variant.
Genome position (GRCh38, 1-based): chr2:151,619,447, T>C on the plus strand (A>G on the coding strand, the complement: NEB is on the minus strand). VCF-style: chr2-151619447-T-C. GRCh37 (hg19) VCF-style: chr2-152475961-T-C.
Other names: c.10143+4A>G (NM_004543.5); c.10872+4A>G (NM_001164507.2, NM_001271208.2).
Identifiers: ClinVar variation 2161986 (VCV002161986.1), dbSNP rs2098329826, ClinGen allele CA1037874117.
Genomic context (GRCh38, chr2:151,619,447, plus strand): 5'-CAGAACTCACAGACACGTTTCAGATCCGCTTTTAACATGCAGAGCTAACATCAAGGAAAC[T>C]TACGTCACTCTGGAGGTCATAGGCTTTCCGTGCATGAATGATGTCATTCTGGTCGGGCAG-3'

ClinVar aggregate classification (germline): Uncertain significance (1 of 4 stars; one submission).

Conditions:
Nemaline myopathy 2 (NEM2). Also called: Nemaline myopathy 2, autosomal recessive. Identifiers: MedGen C1850569, MONDO:0009725, OMIM 256030.

Allele frequency attached by ClinVar (database versions not stated): gnomAD exomes 0.00001.
gnomAD v4.1: 4 of 1,587,424 alleles (0.00025%); highest among the groups gnomAD compares: South Asian, 0.0046%; no homozygotes.

Submission:

Labcorp Genetics (formerly Invitae), Labcorp
Classification: Uncertain significance for Nemaline myopathy 2. Last evaluated: 2022-08-12. Review status: criteria provided, single submitter. Criteria: Invitae Variant Classification Sherloc (09022015). Collection method: clinical testing. Allele origin: germline.
Comment: This variant occurs in a region of NEB (Exons 82-105) consisting of three highly homologous 8-exon repeat units (exons 82-89, exons 90-97, exons 98-105). Sequence variants in this region can be detected, but this assay cannot determine which of the three repeat units is affected, and zygosity is often ambiguous. All variants in this region are reported relative to the exon 82-89 repeat. This sequence change falls in intron 73 of the NEB gene. It does not directly change the encoded amino acid sequence of the NEB protein. It affects a nucleotide within the consensus splice site. This variant is not present in population databases (gnomAD no frequency). This variant has not been reported in the literature in individuals affected with NEB-related conditions. Variants that disrupt the consensus splice site are a relatively common cause of aberrant splicing (PMID: 17576681, 9536098). Experimental studies and prediction algorithms are not available or were not evaluated, and the effect of this variant on mRNA splicing is currently unknown. In summary, the available evidence is currently insufficient to determine the role of this variant in disease. Therefore, it has been classified as a Variant of Uncertain Significance.

Literature cited by the submitters: PubMed 17576681; PubMed 9536098.